The following is an entry in ClinVar:

ClinVar aggregate classification (germline): Likely benign (1 of 4 stars; one submission).

Conditions:
PLXNA4-related disorder. Also called: PLXNA4-related condition.

Submission:

PreventionGenetics, part of Exact Sciences
Classification: Likely benign for PLXNA4-related condition. Last evaluated: 2026-01-05. Review status: criteria provided, single submitter. Criteria: ACMG Guidelines, 2015. Collection method: clinical testing. Allele origin: germline.
Comment: This variant is classified as likely benign based on ACMG/AMP sequence variant interpretation guidelines (Richards et al. 2015 PMID: 25741868, with internal and published modifications).

NM_020911.2(PLXNA4):c.4096C>T (p.Leu1366=)

Gene: PLXNA4 (plexin A4; minus strand). Cytogenetic location: 7q32.3.
Variant type: single nucleotide variant.
Coding change: c.4096C>T on transcript NM_020911.2 (MANE Select); coding-DNA position 4096, C replaced by T.
Protein change: p.Leu1366=; no amino-acid change (leucine 1366 retained).
Molecular consequence: synonymous variant.
Genome position (GRCh38, 1-based): chr7:132,168,494, G>A on the plus strand (C>T on the coding strand, the complement: PLXNA4 is on the minus strand). VCF-style: chr7-132168494-G-A. GRCh37 (hg19) VCF-style: chr7-131853253-G-A.
Other names: c.4096C>T, p.Leu1366= (NM_001393897.1).
Identifiers: ClinVar variation 4994410 (VCV004994410.1).